The following is an entry in ClinVar:

ClinVar aggregate classification (germline): Uncertain significance (1 of 4 stars; one submission).

Conditions:
Mitochondrial DNA depletion syndrome 20 (mngie type). Also called: MITOCHONDRIAL NEUROGASTROINTESTINAL ENCEPHALOMYOPATHY SYNDROME, LIG3-RELATED. Identifiers: MedGen C5676934, MONDO:0030696, OMIM 619780.

Submission:

Victorian Clinical Genetics Services, Murdoch Childrens Research Institute
Classification: Uncertain significance for Mitochondrial DNA depletion syndrome 20 (mngie type). Last evaluated: 2024-11-29. Review status: criteria provided, single submitter. Criteria: ACMG Guidelines, 2015. Collection method: clinical testing. Allele origin: germline. Affected: yes.
Comment: This variant is classified as VUS-3B. Evidence in support of pathogenic classification: Non-coding variant with predicted effect. This intronic insertion creates a deep intronic cryptic splice donor site that is predicted by SpliceAI to be preferentially used over the canonical splice donor site. Utilisation of the cryptic splice site would cause introduction of a premature termination codon as part of the novel coding sequence and is predicted to undergo nonsense-mediated decay. RNA splicing studies were unable to detect aberrant splicing; however, due to the limitations of these experiments, an effect on splicing cannot be definitively excluded (Splicing Diagnostics, Kids Neuroscience Centre, NSW, Australia); Variant is present in gnomAD <0.01 for a recessive condition (v4 - 175 heterozygotes, 0 homozygotes); Strong phenotype match for this individual. Additional information: This variant is heterozygous; This gene is associated with autosomal recessive disease; This variant has no previous evidence of pathogenicity; No published segregation evidence has been identified for this variant; No published functional evidence has been identified for this variant; Loss of function is a known mechanism of disease in this gene and is associated with mitochondrial DNA depletion syndrome 20 (MNGIE type) (MIM#619780).

NM_013975.4(LIG3):c.1286+35_1286+36insATGCAAAACATGTGTAAGTAGCAGCTCCGCTGACAGCCTGAGCTGTCA

Gene: LIG3 (DNA ligase 3; plus strand). Cytogenetic location: 17q12.
Variant type: Insertion.
Coding change: c.1286+35_1286+36insATGCAAAACATGTGTAAGTAGCAGCTCCGCTGACAGCCTGAGCTGTCA on transcript NM_013975.4 (MANE Select); bases 35 to 36 of the intron after coding-DNA position 1286, ATGCAAAACATGTGTAAGTAGCAGCTCCGCTGACAGCCTGAGCTGTCA inserted.
Molecular consequence: splice donor variant.
Genome position: GRCh38: chr17:34,992,070-34,992,071. GRCh37 (hg19): chr17:33,319,089-33,319,090.
Other names: c.1286+35_1286+36insATGCAAAACATGTGTAAGTAGCAGCTCCGCTGACAGCCTGAGCTGTCA (NM_002311.5).
Identifiers: ClinVar variation 4531648 (VCV004531648.1).